The following is an entry in ClinVar:

ClinVar aggregate classification (germline): Benign. Review status: criteria provided, multiple submitters, no conflicts (2 of 4 stars). 7 submissions from 6 submitters: Benign (7). Last evaluated 2026-02-03.

Conditions:
Hereditary spastic paraplegia 23. Also called: LISON SYNDROME; SPASTIC PARAPARESIS, VITILIGO, PREMATURE GRAYING, CHARACTERISTIC FACIES; SPASTIC PARAPLEGIA WITH PIGMENTARY ABNORMALITIES. Identifiers: Orphanet 101003, MedGen C0796019, MONDO:0010046, OMIM 270750.
Congenital anomalies of kidney and urinary tract 1. Also called: Renal hypodysplasia, nonsyndromic, 1; Congenital anomalies of kidney and urinary tract 1, susceptibility to. Identifiers: MedGen C1835826, MONDO:0012561, OMIM 610805.

Allele frequency attached by ClinVar (database versions not stated): gnomAD exomes 0.91537 and 0.93154; ESP Exome Variant Server 0.93019; ExAC 0.93167; gnomAD 0.93525 and 0.93536; TOPMed 0.94055; 1000 Genomes Project 30x 0.96018; 1000 Genomes Project 0.96106.
gnomAD v4.1: 1,480,953 of 1,614,030 alleles (92%); highest among the groups gnomAD compares: East Asian, 100%; 680,196 homozygotes.

Submissions (7):

Labcorp Genetics (formerly Invitae), Labcorp
Classification: Benign. Last evaluated: 2026-02-03. Review status: criteria provided, single submitter. Criteria: Invitae Variant Classification Sherloc (09022015). Collection method: clinical testing. Allele origin: germline.

Blueprint Genetics
Classification: Benign. Last evaluated: 2024-11-26. Review status: criteria provided, single submitter. Criteria: ACMG Guidelines, 2015. Collection method: clinical testing. Allele origin: germline.

Genome-Nilou Lab
Classification: Benign for Congenital anomalies of kidney and urinary tract 1. Last evaluated: 2021-07-30. Review status: criteria provided, single submitter. Criteria: ACMG Guidelines, 2015. Collection method: clinical testing. Allele origin: germline. Affected: no.

Genome-Nilou Lab
Classification: Benign for Hereditary spastic paraplegia 23. Last evaluated: 2021-07-30. Review status: criteria provided, single submitter. Criteria: ACMG Guidelines, 2015. Collection method: clinical testing. Allele origin: germline. Affected: no.

GeneDx
Classification: Benign. Last evaluated: 2018-11-10. Review status: criteria provided, single submitter. Criteria: GeneDx Variant Classification Process June 2021. Collection method: clinical testing. Allele origin: germline. Affected: yes.
Comment: This variant is associated with the following publications: (PMID: 30389748)

Breakthrough Genomics
Classification: Benign. Review status: criteria provided, single submitter. Criteria: ACMG Guidelines, 2015. Collection method: not provided. Allele origin: germline. Inheritance: Autosomal recessive inheritance. Affected: yes.

PreventionGenetics, part of Exact Sciences
Classification: Benign. Review status: criteria provided, single submitter. Criteria: ACMG Guidelines, 2015. Collection method: clinical testing. Allele origin: germline.

NM_015375.3(DSTYK):c.1921T>C (p.Cys641Arg)

Gene: DSTYK (dual serine/threonine and tyrosine protein kinase; minus strand). Cytogenetic location: 1q32.1.
Variant type: single nucleotide variant.
Coding change: c.1921T>C on transcript NM_015375.3 (MANE Select); coding-DNA position 1921, T replaced by C.
Protein change: p.Cys641Arg; replaces cysteine 641 with arginine.
Molecular consequence: missense variant.
Genome position (GRCh38, 1-based): chr1:205,161,285, A>G on the plus strand (T>C on the coding strand, the complement: DSTYK is on the minus strand). VCF-style: chr1-205161285-A-G. GRCh37 (hg19) VCF-style: chr1-205130413-A-G.
Other names: c.1921T>C, p.Cys641Arg (NM_199462.3); short protein forms C641R.
Identifiers: ClinVar variation 260657 (VCV000260657.15), dbSNP rs3851294, ClinGen allele CA1352716.